The following is an entry in ClinVar:

ClinVar aggregate classification (germline): Uncertain significance. Review status: criteria provided, multiple submitters, no conflicts (2 of 4 stars). 3 submissions from 3 submitters: Uncertain significance (3). Last evaluated 2026-03-12.

Conditions:
Hereditary nonpolyposis colorectal neoplasms. Identifiers: MedGen C0009405, MeSH D003123.
Hereditary cancer-predisposing syndrome. Also called: Tumor predisposition; Hereditary neoplastic syndrome; Hereditary Cancer Syndrome; Neoplastic Syndromes, Hereditary. Identifiers: Orphanet 140162, MedGen C0027672, MeSH D009386, MONDO:0015356.

Submissions (3):

Ambry Genetics
Classification: Uncertain significance for Hereditary cancer-predisposing syndrome. Last evaluated: 2026-03-12. Review status: criteria provided, single submitter. Criteria: Ambry Variant Classification Scheme 2023. Collection method: clinical testing. Allele origin: germline.
Comment: The p.C615Y variant (also known as c.1844G>A), located in coding exon 4 of the MSH6 gene, results from a G to A substitution at nucleotide position 1844. The cysteine at codon 615 is replaced by tyrosine, an amino acid with highly dissimilar properties. This amino acid position is conserved. In addition, this alteration is predicted to be tolerated by in silico analysis. Based on the available evidence, the clinical significance of this variant remains unclear.

Labcorp Genetics (formerly Invitae), Labcorp
Classification: Uncertain significance for Hereditary nonpolyposis colorectal neoplasms. Last evaluated: 2024-02-23. Review status: criteria provided, single submitter. Criteria: Invitae Variant Classification Sherloc (09022015). Collection method: clinical testing. Allele origin: germline.
Comment: This sequence change replaces cysteine, which is neutral and slightly polar, with tyrosine, which is neutral and polar, at codon 615 of the MSH6 protein (p.Cys615Tyr). This variant is not present in population databases (gnomAD no frequency). This variant has not been reported in the literature in individuals affected with MSH6-related conditions. ClinVar contains an entry for this variant (Variation ID: 923977). Advanced modeling of protein sequence and biophysical properties (such as structural, functional, and spatial information, amino acid conservation, physicochemical variation, residue mobility, and thermodynamic stability) performed at Invitae indicates that this missense variant is not expected to disrupt MSH6 protein function with a negative predictive value of 95%. In summary, the available evidence is currently insufficient to determine the role of this variant in disease. Therefore, it has been classified as a Variant of Uncertain Significance.

Color Diagnostics, LLC DBA Color Health
Classification: Uncertain significance for Hereditary cancer-predisposing syndrome. Last evaluated: 2023-12-04. Review status: criteria provided, single submitter. Criteria: ACMG Guidelines, 2015. Collection method: clinical testing. Allele origin: germline.
Comment: This missense variant replaces cysteine with tyrosine at codon 615 of the MSH6 protein. Computational prediction suggests that this variant may not impact protein structure and function (internally defined REVEL score threshold <= 0.5, PMID: 27666373). To our knowledge, functional studies have not been reported for this variant. This variant has not been reported in individuals affected with MSH6-related disorders in the literature. This variant has not been identified in the general population by the Genome Aggregation Database (gnomAD). The available evidence is insufficient to determine the role of this variant in disease conclusively. Therefore, this variant is classified as a Variant of Uncertain Significance.

NM_000179.3(MSH6):c.1844G>A (p.Cys615Tyr)

Gene: MSH6 (mutS homolog 6; plus strand). Cytogenetic location: 2p16.3.
Variant type: single nucleotide variant.
Coding change: c.1844G>A on transcript NM_000179.3 (MANE Select); coding-DNA position 1844, G replaced by A.
Protein change: p.Cys615Tyr; replaces cysteine 615 with tyrosine.
Molecular consequence: missense variant.
Genome position (GRCh38, 1-based): chr2:47,799,827, G>A. VCF-style: chr2-47799827-G-A. GRCh37 (hg19) VCF-style: chr2-48026966-G-A.
Other names: c.1454G>A, p.Cys485Tyr (NM_001281492.2); c.938G>A, p.Cys313Tyr (NM_001281493.2, NM_001281494.2); short protein forms C615Y, C485Y, C313Y.
Identifiers: ClinVar variation 923977 (VCV000923977.7), dbSNP rs730881793, ClinGen allele CA346749650.